The following is an entry in ClinVar:

NM_017802.4(DNAAF5):c.334G>A (p.Asp112Asn)

Genes: DNAAF5 (dynein axonemal assembly factor 5; plus strand), PRKAR1B (protein kinase cAMP-dependent type I regulatory subunit beta; minus strand). Cytogenetic location: 7p22.3.
Variant type: single nucleotide variant.
Coding change: c.334G>A on transcript NM_017802.4 (MANE Select); coding-DNA position 334, G replaced by A.
Protein change: p.Asp112Asn; replaces aspartic acid 112 with asparagine.
Molecular consequence: missense variant. On other transcripts: non-coding transcript variant (1), intron variant (3).
Genome position (GRCh38, 1-based): chr7:727,054, G>A. VCF-style: chr7-727054-G-A. GRCh37 (hg19) VCF-style: chr7-766691-G-A.
Other names: c.-23+601C>T (NM_001164759.1); c.-23+536C>T (NM_001164758.2); c.-23+156C>T (NM_001164760.2); short protein forms D112N.
Identifiers: ClinVar variation 410297 (VCV000410297.9), dbSNP rs1060502833, ClinGen allele CA16612293.
Genomic context (GRCh38, chr7:727,054, plus strand): 5'-TGCCGCGCGCTGGCAGTGCACCTGCTGGATCTGGGCCTGCGCCGCGCCGCGCGGCCCCGC[G>A]ATGCCCTGCCGCGCCTGCTGCCCGCGCTCGCCGCGCGCTTGGCCGGCCCCGTGCCCGCGC-3'
Protein context (NP_060272.3, residues 102-122): LGLRRAARPR[Asp112Asn]ALPRLLPALA

ClinVar aggregate classification (germline): Uncertain significance (1 of 4 stars; one submission).

Conditions:
Primary ciliary dyskinesia. Also called: Ciliary dyskinesia. Identifiers: Orphanet 244, MedGen C0008780, MONDO:0016575, HP:0012265.

Submission:

Labcorp Genetics (formerly Invitae), Labcorp
Classification: Uncertain significance for Primary ciliary dyskinesia. Last evaluated: 2022-02-10. Review status: criteria provided, single submitter. Criteria: Invitae Variant Classification Sherloc (09022015). Collection method: clinical testing. Allele origin: germline.
Comment: In summary, the available evidence is currently insufficient to determine the role of this variant in disease. Therefore, it has been classified as a Variant of Uncertain Significance. Algorithms developed to predict the effect of missense changes on protein structure and function are either unavailable or do not agree on the potential impact of this missense change (SIFT: "Tolerated"; PolyPhen-2: "Probably Damaging"; Align-GVGD: "Class C0"). ClinVar contains an entry for this variant (Variation ID: 410297). This variant has not been reported in the literature in individuals affected with DNAAF5-related conditions. The frequency data for this variant in the population databases is considered unreliable, as metrics indicate insufficient coverage at this position in the gnomAD database. This sequence change replaces aspartic acid, which is acidic and polar, with asparagine, which is neutral and polar, at codon 112 of the DNAAF5 protein (p.Asp112Asn).